The following is an entry in ClinVar:

NM_000038.6(APC):c.5994A>T (p.Glu1998Asp)

Gene: APC (APC regulator of Wnt signaling pathway; plus strand). Cytogenetic location: 5q22.2.
Variant type: single nucleotide variant.
Coding change: c.5994A>T on transcript NM_000038.6 (MANE Select); coding-DNA position 5994, A replaced by T.
Protein change: p.Glu1998Asp; replaces glutamic acid 1998 with aspartic acid.
Molecular consequence: missense variant.
Genome position (GRCh38, 1-based): chr5:112,841,588, A>T. VCF-style: chr5-112841588-A-T. GRCh37 (hg19) VCF-style: chr5-112177285-A-T.
Other names: c.5994A>T, p.Glu1998Asp (NM_001127510.3, NM_001354895.2); c.5940A>T, p.Glu1980Asp (NM_001127511.3); c.6048A>T, p.Glu2016Asp (NM_001354896.2); c.6024A>T, p.Glu2008Asp (NM_001354897.2); c.5919A>T, p.Glu1973Asp (NM_001354898.2); c.5910A>T, p.Glu1970Asp (NM_001354899.2); c.5871A>T, p.Glu1957Asp (NM_001354900.2); c.5817A>T, p.Glu1939Asp (NM_001354901.2); and 6 more; short protein forms E1715D, E1838D, E1872D, E1897D, E1907D, E1939D, E1957D, E1970D.
Identifiers: ClinVar variation 1005280 (VCV001005280.11), dbSNP rs1766108628, ClinGen allele CA16034452.

ClinVar aggregate classification (germline): Uncertain significance. Review status: criteria provided, multiple submitters, no conflicts (2 of 4 stars). 2 submissions from 2 submitters: Uncertain significance (2). Last evaluated 2025-08-01.

Conditions:
Hereditary cancer-predisposing syndrome. Also called: Hereditary neoplastic syndrome; Neoplastic Syndromes, Hereditary; Tumor predisposition; Hereditary Cancer Syndrome. Identifiers: Orphanet 140162, MedGen C0027672, MeSH D009386, MONDO:0015356.
Familial adenomatous polyposis 1 (FAP1). Also called: FAMILIAL ADENOMATOUS POLYPOSIS 1, ATTENUATED; POLYPOSIS, ADENOMATOUS INTESTINAL. Identifiers: MedGen C2713442, MONDO:0021056, OMIM 175100. Disease mechanism: loss of function.

Submissions (2):

Ambry Genetics
Classification: Uncertain significance for Hereditary cancer-predisposing syndrome. Last evaluated: 2025-08-01. Review status: criteria provided, single submitter. Criteria: Ambry Variant Classification Scheme 2023. Collection method: clinical testing. Allele origin: germline.
Comment: The p.E1998D variant (also known as c.5994A>T), located in coding exon 15 of the APC gene, results from an A to T substitution at nucleotide position 5994. The glutamic acid at codon 1998 is replaced by aspartic acid, an amino acid with highly similar properties. This amino acid position is conserved. In addition, in silico predictors for this gene do not accurately predict pathogenicity. Based on the available evidence, the clinical significance of this variant remains unclear.

Labcorp Genetics (formerly Invitae), Labcorp
Classification: Uncertain significance for Familial adenomatous polyposis 1. Last evaluated: 2020-03-04. Review status: criteria provided, single submitter. Criteria: Invitae Variant Classification Sherloc (09022015). Collection method: clinical testing. Allele origin: germline.
Comment: This sequence change replaces glutamic acid with aspartic acid at codon 1998 of the APC protein (p.Glu1998Asp). The glutamic acid residue is highly conserved and there is a small physicochemical difference between glutamic acid and aspartic acid. This variant is not present in population databases (ExAC no frequency). This variant has not been reported in the literature in individuals with APC-related conditions. Algorithms developed to predict the effect of missense changes on protein structure and function (SIFT, PolyPhen-2, Align-GVGD) all suggest that this variant is likely to be tolerated, but these predictions have not been confirmed by published functional studies and their clinical significance is uncertain. In summary, the available evidence is currently insufficient to determine the role of this variant in disease. Therefore, it has been classified as a Variant of Uncertain Significance.